The following is an entry in ClinVar:

NM_000368.5(TSC1):c.692C>G (p.Pro231Arg)

Gene: TSC1 (TSC complex subunit 1; minus strand). Cytogenetic location: 9q34.13.
Variant type: single nucleotide variant.
Coding change: c.692C>G on transcript NM_000368.5 (MANE Select); coding-DNA position 692, C replaced by G.
Protein change: p.Pro231Arg; replaces proline 231 with arginine.
Molecular consequence: missense variant.
Genome position (GRCh38, 1-based): chr9:132,921,408, G>C on the plus strand (C>G on the coding strand, the complement: TSC1 is on the minus strand). VCF-style: chr9-132921408-G-C. GRCh37 (hg19) VCF-style: chr9-135796795-G-C.
Other names: c.692C>G, p.Pro231Arg (NM_001162426.2); c.539C>G, p.Pro180Arg (NM_001162427.2); c.329C>G, p.Pro110Arg (NM_001362177.2); short protein forms P180R, P231R, P110R.
Identifiers: ClinVar variation 1488651 (VCV001488651.8), dbSNP rs1322586198, ClinGen allele CA375371404.

ClinVar aggregate classification (germline): Uncertain significance (1 of 4 stars; one submission).

Conditions:
Tuberous sclerosis 1 (TSC1). Identifiers: Orphanet 805, MedGen C1854465, MONDO:0008612, OMIM 191100.

Submission:

Labcorp Genetics (formerly Invitae), Labcorp
Classification: Uncertain significance for Tuberous sclerosis 1. Last evaluated: 2024-01-17. Review status: criteria provided, single submitter. Criteria: Invitae Variant Classification Sherloc (09022015). Collection method: clinical testing. Allele origin: germline.
Comment: This sequence change replaces proline, which is neutral and non-polar, with arginine, which is basic and polar, at codon 231 of the TSC1 protein (p.Pro231Arg). This variant is not present in population databases (gnomAD no frequency). This variant has not been reported in the literature in individuals affected with TSC1-related conditions. ClinVar contains an entry for this variant (Variation ID: 1488651). Advanced modeling of protein sequence and biophysical properties (such as structural, functional, and spatial information, amino acid conservation, physicochemical variation, residue mobility, and thermodynamic stability) has been performed at Invitae for this missense variant, however the output from this modeling did not meet the statistical confidence thresholds required to predict the impact of this variant on TSC1 protein function. In summary, the available evidence is currently insufficient to determine the role of this variant in disease. Therefore, it has been classified as a Variant of Uncertain Significance.